The following is an entry in ClinVar:

NM_000388.4(CASR):c.2553C>G (p.Cys851Trp)

Gene: CASR (calcium sensing receptor; plus strand). Cytogenetic location: 3q21.1.
Variant type: single nucleotide variant.
Coding change: c.2553C>G on transcript NM_000388.4 (MANE Select); coding-DNA position 2553, C replaced by G.
Protein change: p.Cys851Trp; replaces cysteine 851 with tryptophan.
Molecular consequence: missense variant.
Genome position (GRCh38, 1-based): chr3:122,284,507, C>G. VCF-style: chr3-122284507-C-G. GRCh37 (hg19) VCF-style: chr3-122003354-C-G.
Other names: c.2583C>G, p.Cys861Trp (NM_001178065.2); short protein forms C851W, C861W.
Identifiers: ClinVar variation 1792974 (VCV001792974.2), dbSNP rs2473280649, ClinGen allele CA354160271.

ClinVar aggregate classification (germline): Uncertain significance (1 of 4 stars; one submission).

Conditions:
Nephrolithiasis/nephrocalcinosis. Identifiers: MedGen CN580796.

Submission:

Ambry Genetics
Classification: Uncertain significance for Nephrolithiasis/nephrocalcinosis. Last evaluated: 2019-08-19. Review status: criteria provided, single submitter. Criteria: Ambry Variant Classification Scheme 2023. Collection method: clinical testing. Allele origin: germline.
Comment: The p.C851W variant (also known as c.2553C>G), located in coding exon 6 of the CASR gene, results from a C to G substitution at nucleotide position 2553. The cysteine at codon 851 is replaced by tryptophan, an amino acid with highly dissimilar properties. Two different alterations located at the same position, p.C851S and p.C851F, have been detected in both affected and unaffected individuals in hyperparathyroidism cohorts (Glaudo M et al. Eur. J. Endocrinol., 2016 Nov;175:421-31; Baron J et al. Hum. Mol. Genet., 1996 May;5:601-6). This amino acid position is highly conserved in available vertebrate species. In addition, this alteration is predicted to be deleterious by in silico analysis. Since supporting evidence is limited at this time, the clinical significance of this alteration remains unclear.